The following is an entry in ClinVar:

NM_003901.4(SGPL1):c.397_401del (p.Tyr133fs)

Gene: SGPL1 (sphingosine-1-phosphate lyase 1; plus strand). Cytogenetic location: 10q22.1.
Variant type: Deletion.
Coding change: c.397_401del on transcript NM_003901.4 (MANE Select); coding-DNA positions 397 to 401, 5 bases deleted (TACAG; older notation c.397_401delTACAG).
Protein change: p.Tyr133fs; shifts the reading frame from tyrosine 133.
Molecular consequence: frameshift variant.
Genome position (GRCh38, 1-based): chr10:70,854,843-70,854,847, TACAG deleted; deleting any 5 consecutive bases within chr10:70,854,841-70,854,847 gives the same sequence; the c. name uses the placement nearest the transcript's 3' end. VCF-style (leftmost placement, unchanged base first): chr10-70854840-GAGTAC-G. GRCh37 (hg19) VCF-style: chr10-72614597-GAGTAC-G.
Other names: short protein forms Y133fs.
Identifiers: ClinVar variation 2771802 (VCV002771802.3), dbSNP rs2492759374, ClinGen allele CA2697558427.

ClinVar aggregate classification (germline): Pathogenic (1 of 4 stars; one submission).

Submission:

Labcorp Genetics (formerly Invitae), Labcorp
Classification: Pathogenic. Last evaluated: 2023-11-01. Review status: criteria provided, single submitter. Criteria: Invitae Variant Classification Sherloc (09022015). Collection method: clinical testing. Allele origin: germline.
Comment: This sequence change creates a premature translational stop signal (p.Tyr133Leufs*24) in the SGPL1 gene. It is expected to result in an absent or disrupted protein product. Loss-of-function variants in SGPL1 are known to be pathogenic (PMID: 28165339, 28165343). This variant is not present in population databases (gnomAD no frequency). This variant has not been reported in the literature in individuals affected with SGPL1-related conditions. For these reasons, this variant has been classified as Pathogenic.

Literature cited by the submitters: PubMed 28165339; PubMed 28165343.